The following is an entry in ClinVar:

NM_017777.4(MKS1):c.114dup (p.Leu39fs)

Gene: MKS1 (MKS transition zone complex subunit 1; minus strand). Cytogenetic location: 17q22.
Variant type: Duplication.
Coding change: c.114dup on transcript NM_017777.4 (MANE Select); coding-DNA position 114, one base duplicated (T; older notation c.114dupT).
Protein change: p.Leu39fs; shifts the reading frame from leucine 39.
Molecular consequence: frameshift variant. On other transcripts: 5 prime UTR variant (1).
Genome position (GRCh38, 1-based): chr17:58,218,696, A duplicated on the plus strand (T on the coding strand, the reverse complement: MKS1 is on the minus strand); the first of 3 consecutive A bases (chr17:58,218,696-58,218,698); duplicating any one gives the same sequence. VCF-style (leftmost placement, unchanged base first): chr17-58218695-G-GA. GRCh37 (hg19) VCF-style: chr17-56296056-G-GA.
Other names: c.-398dup (NM_001321268.2); c.114dup, p.Leu39fs (NM_001321269.2, NM_001330397.2); c.112dup, p.Leu39Serfs (NM_001411113.1); short protein forms L39fs.
Identifiers: ClinVar variation 2107453 (VCV002107453.4), dbSNP rs2509466085, ClinGen allele CA2580094299.
Genomic context (GRCh38, chr17:58,218,695, plus strand): 5'-GCCTAAAAGTGGCCAAGTCTATGAGGTCCTTCCCGAGCTCGGCAGCAGGCTGATAATGAA[G>GA]AAAGTTGCTTGATGTGATTCTTTGCAGGTGGACTCTGTCAAGAAAAGCCCAAAATATTCG-3'

ClinVar aggregate classification (germline): Pathogenic (1 of 4 stars; one submission).

Conditions:
Joubert syndrome. Also called: CEREBELLOPARENCHYMAL DISORDER IV; JOUBERT-BOLTSHAUSER SYNDROME; Familial aplasia of the vermis. Identifiers: Orphanet 475, MedGen C5979921, MONDO:0018772.
Meckel-Gruber syndrome. Also called: DYSENCEPHALIA SPLANCHNOCYSTICA; GRUBER SYNDROME; Dysencephalia splachnocystica. Identifiers: Orphanet 564, MedGen C0265215, MONDO:0018921.

Submission:

Labcorp Genetics (formerly Invitae), Labcorp
Classification: Pathogenic for Joubert syndrome; Meckel-Gruber syndrome. Last evaluated: 2021-12-06. Review status: criteria provided, single submitter. Criteria: Invitae Variant Classification Sherloc (09022015). Collection method: clinical testing. Allele origin: germline.
Comment: This sequence change creates a premature translational stop signal (p.Leu39Serfs*20) in the MKS1 gene. It is expected to result in an absent or disrupted protein product. Loss-of-function variants in MKS1 are known to be pathogenic (PMID: 19466712, 24886560, 26490104). This variant is not present in population databases (gnomAD no frequency). This variant has not been reported in the literature in individuals affected with MKS1-related conditions. For these reasons, this variant has been classified as Pathogenic.

Literature cited by the submitters: PubMed 19466712; PubMed 24886560; PubMed 26490104.